The following is an entry in ClinVar:

NM_017415.3(KLHL3):c.1084C>T (p.Arg362Trp)

Gene: KLHL3 (kelch like family member 3; minus strand). Cytogenetic location: 5q31.2.
Variant type: single nucleotide variant.
Coding change: c.1084C>T on transcript NM_017415.3 (MANE Select); coding-DNA position 1084, C replaced by T.
Protein change: p.Arg362Trp; replaces arginine 362 with tryptophan.
Molecular consequence: missense variant.
Genome position (GRCh38, 1-based): chr5:137,639,088, G>A on the plus strand (C>T on the coding strand, the complement: KLHL3 is on the minus strand). VCF-style: chr5-137639088-G-A. GRCh37 (hg19) VCF-style: chr5-136974777-G-A.
Other names: c.838C>T, p.Arg280Trp (NM_001257195.2); c.988C>T, p.Arg330Trp (NM_001257194.1); short protein forms R280W, R330W, R362W.
Identifiers: ClinVar variation 2442206 (VCV002442206.4), dbSNP rs200892557, ClinGen allele CA3422296.

ClinVar aggregate classification (germline): Uncertain significance. Review status: criteria provided, multiple submitters, no conflicts (2 of 4 stars). 2 submissions from 2 submitters: Uncertain significance (2). Last evaluated 2025-06-12.

Conditions:
Pseudohypoaldosteronism type 2D (PHA2D). Also called: FAMILIAL HYPERKALEMIC HYPERTENSION; PSEUDOHYPOALDOSTERONISM, TYPE IID, AUTOSOMAL DOMINANT OR RECESSIVE; Pseudohypoaldosteronism Type IID. Identifiers: Orphanet 300525, Orphanet 757, MedGen C3469605, MONDO:0013781, OMIM 614495.

Allele frequency attached by ClinVar (database versions not stated): gnomAD 0.00003; TOPMed 0.00006; ExAC 0.00007; 1000 Genomes Project 0.00020; 1000 Genomes Project 30x 0.00031.
gnomAD v4.1: 37 of 1,614,046 alleles (0.0023%); highest among the groups gnomAD compares: Admixed American, 0.038%; no homozygotes.

Submissions (2):

Labcorp Genetics (formerly Invitae), Labcorp
Classification: Uncertain significance. Last evaluated: 2025-06-12. Review status: criteria provided, single submitter. Criteria: Invitae Variant Classification Sherloc (09022015). Collection method: clinical testing. Allele origin: germline.
Comment: This sequence change replaces arginine, which is basic and polar, with tryptophan, which is neutral and slightly polar, at codon 362 of the KLHL3 protein (p.Arg362Trp). This variant is present in population databases (rs200892557, gnomAD 0.04%). This missense change has been observed in individual(s) with autosomal dominant KLHL3-related conditions (PMID: 22406640). ClinVar contains an entry for this variant (Variation ID: 2442206). Invitae Evidence Modeling of protein sequence and biophysical properties (such as structural, functional, and spatial information, amino acid conservation, physicochemical variation, residue mobility, and thermodynamic stability) has been performed for this missense variant. However, the output from this modeling did not meet the statistical confidence thresholds required to predict the impact of this variant on KLHL3 protein function. In summary, the available evidence is currently insufficient to determine the role of this variant in disease. Therefore, it has been classified as a Variant of Uncertain Significance.

Baylor Genetics
Classification: Uncertain significance for Pseudohypoaldosteronism type 2D. Last evaluated: 2022-05-14. Review status: criteria provided, single submitter. Criteria: ACMG Guidelines, 2015. Collection method: clinical testing. Allele origin: unknown.

Literature cited by the submitters: PubMed 22406640 (cited by Labcorp Genetics (formerly Invitae), Labcorp).